The following is an entry in ClinVar:

NM_001256071.3(RNF213):c.10947dup (p.Glu3650fs)

Genes: RNF213 (ring finger protein 213; plus strand), RNF213-AS1 (RNF213 antisense RNA 1; minus strand). Cytogenetic location: 17q25.3.
Variant type: Duplication.
Coding change: c.10947dup on transcript NM_001256071.3 (MANE Select); coding-DNA position 10947, one base duplicated (A; older notation c.10947dupA).
Protein change: p.Glu3650fs; shifts the reading frame from glutamic acid 3650.
Molecular consequence: frameshift variant.
Genome position (GRCh38, 1-based): chr17:80,358,372, A duplicated. VCF-style (leftmost placement, unchanged base first): chr17-80358371-T-TA. GRCh37 (hg19) VCF-style: chr17-78332171-T-TA.
Other names: c.11094dup, p.Glu3699fs (NM_001410195.1, NM_020914.5); short protein forms E3650fs, E3699fs.
Identifiers: ClinVar variation 4687912 (VCV004687912.1).

ClinVar aggregate classification (germline): Likely pathogenic (1 of 4 stars; one submission).

Conditions:
Moyamoya disease 2 (MYMY2). Also called: MOYAMOYA DISEASE 2, SUSCEPTIBILITY TO. Identifiers: Orphanet 2573, MedGen C1846689, MONDO:0011784, OMIM 607151.

Submission:

Human Genetics Bochum, Ruhr University Bochum
Classification: Likely pathogenic for Moyamoya disease 2. Last evaluated: 2025-04-14. Review status: criteria provided, single submitter. Criteria: ACMG Guidelines, 2015. Collection method: clinical testing. Allele origin: germline. Affected: yes.
Comment: ACMG criteria used to clasify this variant: PVS1, PM2_SUP